The following is an entry in ClinVar:

NM_173495.3(PTCHD1):c.940G>A (p.Ala314Thr)

Gene: PTCHD1 (patched domain containing 1; plus strand). Cytogenetic location: Xp22.11.
Variant type: single nucleotide variant.
Coding change: c.940G>A on transcript NM_173495.3 (MANE Select); coding-DNA position 940, G replaced by A.
Protein change: p.Ala314Thr; replaces alanine 314 with threonine.
Molecular consequence: missense variant.
Genome position (GRCh38, 1-based): chrX:23,380,179, G>A. VCF-style: chrX-23380179-G-A. GRCh37 (hg19) VCF-style: chrX-23398296-G-A.
Other names: short protein forms A314T.
Identifiers: ClinVar variation 3220624 (VCV003220624.2), dbSNP rs1162935568, ClinGen allele CA412580829.
Genomic context (GRCh38, chrX:23,380,179, plus strand): 5'-CGCAGCAAACCCTGGCTAGGCCTGCTCGGATTGGTGACCATAAGCCTGGCCACTCTCACT[G>A]CAGCCGGGATCATCAATCTTACTGGTGGGAAATATAATTCCACCTTCCTGGGAGTCCCTT-3'
Protein context (NP_775766.2, residues 304-324): LVTISLATLT[Ala314Thr]AGIINLTGGK

ClinVar aggregate classification (germline): Uncertain significance. Review status: criteria provided, multiple submitters, no conflicts (2 of 4 stars). 2 submissions from 2 submitters: Uncertain significance (2). Last evaluated 2024-11-21.

Conditions:
Inborn genetic diseases. Identifiers: MedGen C0950123, MeSH D030342.

Allele frequency attached by ClinVar (database versions not stated): TOPMed 0.00001; gnomAD exomes below 0.00001.
gnomAD v4.1: 2 of 1,211,076 alleles (0.00017%); highest among the groups gnomAD compares: African/African-American, 0.0017%; no homozygotes.

Submissions (2):

GeneDx
Classification: Uncertain significance. Last evaluated: 2024-11-21. Review status: criteria provided, single submitter. Criteria: GeneDx Variant Classification Process June 2021. Collection method: clinical testing. Allele origin: germline. Affected: yes.
Comment: In silico analysis indicates that this missense variant does not alter protein structure/function; Has not been previously published as pathogenic or benign to our knowledge

Ambry Genetics
Classification: Uncertain significance for Inborn genetic diseases. Last evaluated: 2022-05-31. Review status: criteria provided, single submitter. Criteria: Ambry Variant Classification Scheme 2023. Collection method: clinical testing. Allele origin: germline.